The following is an entry in ClinVar:

NM_014515.7(CNOT2):c.1211C>A (p.Ala404Glu)

Gene: CNOT2 (CCR4-NOT transcription complex subunit 2; plus strand). Cytogenetic location: 12q15.
Variant type: single nucleotide variant.
Coding change: c.1211C>A on transcript NM_014515.7 (MANE Select); coding-DNA position 1211, C replaced by A.
Protein change: p.Ala404Glu; replaces alanine 404 with glutamic acid.
Molecular consequence: missense variant. On other transcripts: non-coding transcript variant (1).
Genome position (GRCh38, 1-based): chr12:70,342,139, C>A. VCF-style: chr12-70342139-C-A. GRCh37 (hg19) VCF-style: chr12-70735919-C-A.
Other names: c.1211C>A, p.Ala404Glu (NM_001199302.2, NM_001199303.2, NM_001414651.1 and 1 more transcripts); c.1184C>A, p.Ala395Glu (NM_001414653.1, NM_001414654.1, NM_001414655.1); c.1169C>A, p.Ala390Glu (NM_001414656.1); c.1151C>A, p.Ala384Glu (NM_001414657.1, NM_001414658.1, NM_001414659.1 and 1 more transcripts); c.1088C>A, p.Ala363Glu (NM_001414661.1); c.1028C>A, p.Ala343Glu (NM_001414662.1); short protein forms A343E, A363E, A384E, A390E, A395E, A404E.
Identifiers: ClinVar variation 3359569 (VCV003359569.1).
Genomic context (GRCh38, chr12:70,342,139, plus strand): 5'-AAAATGTTTTCTTTTCCTCCTTATTCAGAAATCTCTACCCCAAATTTGCGTCACCCTGGG[C>A]ATCTTCACCTTGTCGACCTCAAGACATAGGTAGGAGAATCTATTTGTGTTTAGACCTTTT-3'
Protein context (NP_055330.1, residues 394-414): NLYPKFASPW[Ala404Glu]SSPCRPQDID

ClinVar aggregate classification (germline): Uncertain significance (1 of 4 stars; one submission).

gnomAD v4.1: 1 of 1,610,342 alleles (0.000062%); highest among the groups gnomAD compares: South Asian, 0.0011%; no homozygotes.

Submission:

GeneDx
Classification: Uncertain significance. Last evaluated: 2023-06-07. Review status: criteria provided, single submitter. Criteria: GeneDx Variant Classification Process June 2021. Collection method: clinical testing. Allele origin: germline. Affected: yes.
Comment: Not observed at significant frequency in large population cohorts (gnomAD); In silico analysis supports that this missense variant has a deleterious effect on protein structure/function; Has not been previously published as pathogenic or benign to our knowledge